The following is an entry in ClinVar:

ClinVar aggregate classification (germline): Pathogenic (1 of 4 stars; one submission).

Submission:

GeneDx
Classification: Pathogenic. Last evaluated: 2025-09-18. Review status: criteria provided, single submitter. Criteria: GeneDx Variant Classification Process June 2021. Collection method: clinical testing. Allele origin: germline.
Comment: Initiation codon variant in a gene for which loss of function is a known mechanism of disease; Not observed at significant frequency in large population cohorts (gnomAD); This variant is associated with the following publications: (PMID: 10094354, SchaeferE2014[Article])

NM_005247.4(FGF3):c.2T>G (p.Met1Arg)

Genes: FGF3 (fibroblast growth factor 3; minus strand), LOC109115964 (FGF3 5' regulatory region; plus strand). Cytogenetic location: 11q13.3.
Variant type: single nucleotide variant.
Coding change: c.2T>G on transcript NM_005247.4 (MANE Select); coding-DNA position 2, T replaced by G.
Protein change: p.Met1Arg; changes the start codon (methionine 1).
Molecular consequence: missense variant, initiator codon variant.
Genome position (GRCh38, 1-based): chr11:69,818,932, A>C on the plus strand (T>G on the coding strand, the complement: FGF3 is on the minus strand). VCF-style: chr11-69818932-A-C. GRCh37 (hg19) VCF-style: chr11-69633700-A-C.
Other names: short protein forms M1R.
Identifiers: ClinVar variation 4083369 (VCV004083369.2).